The following is an entry in ClinVar:

ClinVar aggregate classification (germline): Uncertain significance. Review status: criteria provided, multiple submitters, no conflicts (2 of 4 stars). 2 submissions from 2 submitters: Uncertain significance (2). Last evaluated 2023-07-22.

Conditions:
Holoprosencephaly 9 (HPE9). Also called: PITUITARY ANOMALIES WITH HOLOPROSENCEPHALY-LIKE FEATURES; HOLOPROSENCEPHALY WITH MICROPHTHALMIA AND FIRST BRANCHIAL ARCH ANOMALIES. Identifiers: Orphanet 2162, MedGen C1835819, MONDO:0012563, OMIM 610829.
Postaxial polydactyly-anterior pituitary anomalies-facial dysmorphism syndrome. Also called: Culler-Jones syndrome. Identifiers: Orphanet 420584, MedGen C4014479, MONDO:0014369, OMIM 615849.
Inborn genetic diseases. Identifiers: MedGen C0950123, MeSH D030342.

gnomAD v4.1: 13 of 1,471,044 alleles (0.00088%); highest among the groups gnomAD compares: Non-Finnish European, 0.0012%; no homozygotes.

Submissions (2):

Labcorp Genetics (formerly Invitae), Labcorp
Classification: Uncertain significance for Postaxial polydactyly-anterior pituitary anomalies-facial dysmorphism syndrome; Holoprosencephaly 9. Last evaluated: 2023-07-22. Review status: criteria provided, single submitter. Criteria: Invitae Variant Classification Sherloc (09022015). Collection method: clinical testing. Allele origin: germline.
Comment: This sequence change replaces arginine, which is basic and polar, with tryptophan, which is neutral and slightly polar, at codon 975 of the GLI2 protein (p.Arg975Trp). This variant is not present in population databases (gnomAD no frequency). This variant has not been reported in the literature in individuals affected with GLI2-related conditions. ClinVar contains an entry for this variant (Variation ID: 2225827). Advanced modeling of protein sequence and biophysical properties (such as structural, functional, and spatial information, amino acid conservation, physicochemical variation, residue mobility, and thermodynamic stability) performed at Invitae indicates that this missense variant is expected to disrupt GLI2 protein function. In summary, the available evidence is currently insufficient to determine the role of this variant in disease. Therefore, it has been classified as a Variant of Uncertain Significance.

Ambry Genetics
Classification: Uncertain significance for Inborn genetic diseases. Last evaluated: 2022-05-04. Review status: criteria provided, single submitter. Criteria: Ambry Variant Classification Scheme 2023. Collection method: clinical testing. Allele origin: germline.

NM_001374353.1(GLI2):c.2872C>T (p.Arg958Trp)

Gene: GLI2 (GLI family zinc finger 2; plus strand). Cytogenetic location: 2q14.2.
Variant type: single nucleotide variant.
Coding change: c.2872C>T on transcript NM_001374353.1 (MANE Select); coding-DNA position 2872, C replaced by T.
Protein change: p.Arg958Trp; replaces arginine 958 with tryptophan.
Molecular consequence: missense variant.
Genome position (GRCh38, 1-based): chr2:120,988,837, C>T. VCF-style: chr2-120988837-C-T. GRCh37 (hg19) VCF-style: chr2-121746413-C-T.
Other names: c.2923C>T, p.Arg975Trp (NM_001371271.1, NM_005270.5); c.2497C>T, p.Arg833Trp (NM_001374354.1); short protein forms R833W, R958W, R975W.
Identifiers: ClinVar variation 2225827 (VCV002225827.4), dbSNP rs1683120366, ClinGen allele CA348170278.